The following is an entry in ClinVar:

ClinVar aggregate classification (germline): Benign/Likely benign. Review status: criteria provided, multiple submitters, no conflicts (2 of 4 stars). 7 submissions from 7 submitters: Benign (6); Likely benign (1). Last evaluated 2026-02-04.

Conditions:
TFRC-related combined immunodeficiency. Also called: Immunodeficiency 46. Identifiers: Orphanet 476113, MedGen C5568133, MONDO:0014760, OMIM 616740.

Allele frequency attached by ClinVar (database versions not stated): 1000 Genomes Project 0.36142; 1000 Genomes Project 30x 0.36305; TOPMed 0.45907; ESP Exome Variant Server 0.49708.
gnomAD v4.1: 916,543 of 1,611,408 alleles (57%); highest among the groups gnomAD compares: Middle Eastern, 66%; 270,136 homozygotes.

Submissions (7):

Labcorp Genetics (formerly Invitae), Labcorp
Classification: Benign. Last evaluated: 2026-02-04. Review status: criteria provided, single submitter. Criteria: Invitae Variant Classification Sherloc (09022015). Collection method: clinical testing. Allele origin: germline.

Women's Health and Genetics/Laboratory Corporation of America, LabCorp
Classification: Benign. Last evaluated: 2026-01-21. Review status: criteria provided, single submitter. Criteria: LabCorp Variant Classification Summary - May 2015. Collection method: clinical testing. Allele origin: germline.

Blueprint Genetics
Classification: Likely benign. Last evaluated: 2024-11-26. Review status: criteria provided, single submitter. Criteria: ACMG Guidelines, 2015. Collection method: clinical testing. Allele origin: germline.

Unidad de Genómica Garrahan, Hospital de Pediatría Garrahan
Classification: Benign. Last evaluated: 2023-11-12. Review status: criteria provided, single submitter. Criteria: ACMG Guidelines, 2015. Collection method: clinical testing. Allele origin: germline. Affected: no. Observed: 64 variant alleles.
Comment: This variant is classified as Benign based on local population frequency. This variant was detected in 67% of patients studied by a panel of primary immunodeficiencies. Number of patients: 64. Only high quality variants are reported.

Genome-Nilou Lab
Classification: Benign for TFRC-related combined immunodeficiency. Last evaluated: 2021-09-10. Review status: criteria provided, single submitter. Criteria: ACMG Guidelines, 2015. Collection method: clinical testing. Allele origin: germline. Affected: no.

GeneDx
Classification: Benign. Last evaluated: 2021-06-19. Review status: criteria provided, single submitter. Criteria: GeneDx Variant Classification Process June 2021. Collection method: clinical testing. Allele origin: germline. Affected: yes.

Breakthrough Genomics
Classification: Benign. Review status: criteria provided, single submitter. Criteria: ACMG Guidelines, 2015. Collection method: not provided. Allele origin: germline. Inheritance: Autosomal recessive inheritance. Affected: yes.

NM_001128148.3(TFRC):c.1404+17C>A

Gene: TFRC (transferrin receptor; minus strand). Cytogenetic location: 3q29.
Variant type: single nucleotide variant.
Coding change: c.1404+17C>A on transcript NM_001128148.3 (MANE Select); 17 bases into the intron after coding-DNA position 1404, C replaced by A.
Molecular consequence: intron variant.
Genome position (GRCh38, 1-based): chr3:196,062,837, G>T on the plus strand (C>A on the coding strand, the complement: TFRC is on the minus strand). VCF-style: chr3-196062837-G-T. GRCh37 (hg19) VCF-style: chr3-195789708-G-T.
Other names: c.558+17C>A (NM_001313966.2); c.1161+17C>A (NM_001313965.2); c.1404+17C>A (NM_003234.4).
Identifiers: ClinVar variation 1168227 (VCV001168227.17), dbSNP rs2239640, ClinGen allele CA2777940.
Genomic context (GRCh38, chr3:196,062,837, plus strand): 5'-TATAAAAACATCACTTCTGGACAACAGCCTAAGCCCACAAGCTCGTGTCCAATATGGGAA[G>T]GGATGATAAAGAATACCTCTAGCCATTCAGTGGCACCAACCGATCCAAAGTCTCCAGCAC-3'